The following is an entry in ClinVar:

NM_152564.5(VPS13B):c.4139T>C (p.Ile1380Thr)

Gene: VPS13B (vacuolar protein sorting 13 homolog B; plus strand). Cytogenetic location: 8q22.2.
Variant type: single nucleotide variant.
Coding change: c.4139T>C on transcript NM_152564.5 (MANE Select); coding-DNA position 4139, T replaced by C.
Protein change: p.Ile1380Thr; replaces isoleucine 1380 with threonine.
Molecular consequence: missense variant.
Genome position (GRCh38, 1-based): chr8:99,502,932, T>C. VCF-style: chr8-99502932-T-C. GRCh37 (hg19) VCF-style: chr8-100515160-T-C.
Other names: c.4139T>C, p.Ile1380Thr (NM_017890.5); short protein forms I1380T.
Identifiers: ClinVar variation 4983943 (VCV004983943.1).
Genomic context (GRCh38, chr8:99,502,932, plus strand): 5'-CTTCCATAGATGTCCAGGATGTATATACCAAAGTGAAATGTAAAATAGAGAGTTTCAATA[T>C]TGATCACTATAGAAGCAGGTAAATAATGAATAATGAATATAAGAAAATCTGTATTTTTCT-3'
Protein context (NP_689777.3, residues 1370-1390): KVKCKIESFN[Ile1380Thr]DHYRSRPGEG

ClinVar aggregate classification (germline): Uncertain significance (1 of 4 stars; one submission).

Conditions:
VPS13B-related disorder. Also called: VPS13B-related condition.

Submission:

PreventionGenetics, part of Exact Sciences
Classification: Uncertain significance for VPS13B-related condition. Last evaluated: 2024-11-09. Review status: criteria provided, single submitter. Criteria: ACMG Guidelines, 2015. Collection method: clinical testing. Allele origin: germline.
Comment: The VPS13B c.4139T>C variant is predicted to result in the amino acid substitution p.Ile1380Thr. To our knowledge, this variant has not been reported in the literature or in a large population database (gnomAD), indicating this variant is rare. At this time, the clinical significance of this variant is uncertain due to the absence of conclusive functional and genetic evidence.